The following is an entry in ClinVar:

NM_032221.5(CHD6):c.4783C>G (p.Arg1595Gly)

Gene: CHD6 (chromodomain helicase DNA binding protein 6; minus strand). Cytogenetic location: 20q12.
Variant type: single nucleotide variant.
Coding change: c.4783C>G on transcript NM_032221.5 (MANE Select); coding-DNA position 4783, C replaced by G.
Protein change: p.Arg1595Gly; replaces arginine 1595 with glycine.
Molecular consequence: missense variant.
Genome position (GRCh38, 1-based): chr20:41,421,852, G>C on the plus strand (C>G on the coding strand, the complement: CHD6 is on the minus strand). VCF-style: chr20-41421852-G-C. GRCh37 (hg19) VCF-style: chr20-40050492-G-C.
Other names: short protein forms R1595G.
Identifiers: ClinVar variation 4853952 (VCV004853952.1).

ClinVar aggregate classification (germline): Uncertain significance (1 of 4 stars; one submission).

Conditions:
CHD6-related disorder.

Submission:

3billion
Classification: Uncertain significance for CHD6-related disorder. Last evaluated: 2025-08-07. Review status: criteria provided, single submitter. Criteria: ACMG Guidelines, 2015. Collection method: clinical testing. Allele origin: germline. Affected: yes.
Comment: The variant is not observed in the gnomAD v4.1.0 dataset. Predicted Consequence/Location: Missense variant. Missense changes are a common disease-causing mechanism. In silico tool predictions suggest damaging effect of the variant on gene or gene product [REVEL: 0.71 (>=0.6, sensitivity 0.68 and specificity 0.92)]. Therefore, this variant is classified as VUS according to the recommendation of ACMG/AMP guideline.